The following is an entry in ClinVar:

NM_023110.3(FGFR1):c.1700G>T (p.Gly567Val)

Gene: FGFR1 (fibroblast growth factor receptor 1; minus strand). Cytogenetic location: 8p11.23.
Variant type: single nucleotide variant.
Coding change: c.1700G>T on transcript NM_023110.3 (MANE Select); coding-DNA position 1700, G replaced by T.
Protein change: p.Gly567Val; replaces glycine 567 with valine.
Molecular consequence: missense variant.
Genome position (GRCh38, 1-based): chr8:38,416,024, C>A on the plus strand (G>T on the coding strand, the complement: FGFR1 is on the minus strand). VCF-style: chr8-38416024-C-A. GRCh37 (hg19) VCF-style: chr8-38273542-C-A.
Other names: c.1694G>T, p.Gly565Val (NM_001174063.2, NM_001174065.2, NM_001354367.2 and 1 more transcripts); c.1670G>T, p.Gly557Val (NM_001174064.2); c.1433G>T, p.Gly478Val (NM_001174066.2, NM_023105.3); c.1793G>T, p.Gly598Val (NM_001174067.2); c.1421G>T, p.Gly474Val (NM_001354368.2); c.1688G>T, p.Gly563Val (NM_001354369.2); c.1427G>T, p.Gly476Val (NM_001354370.2, NM_023106.3); short protein forms G474V, G476V, G478V, G557V, G563V, G565V, G567V, G598V.
Identifiers: ClinVar variation 1306967 (VCV001306967.2), dbSNP rs2150590532, ClinGen allele CA370731849.

ClinVar aggregate classification (germline): Uncertain significance (1 of 4 stars; one submission).

Submission:

GeneDx
Classification: Uncertain significance. Last evaluated: 2021-09-08. Review status: criteria provided, single submitter. Criteria: GeneDx Variant Classification Process June 2021. Collection method: clinical testing. Allele origin: germline. Affected: yes.
Comment: Not observed in large population cohorts (Lek et al., 2016); In silico analysis, which includes protein predictors and evolutionary conservation, supports a deleterious effect; Has not been previously published as pathogenic or benign to our knowledge